The following is an entry in ClinVar:

NM_012200.4(B3GAT3):c.909G>T (p.Arg303=)

Gene: B3GAT3 (beta-1,3-glucuronyltransferase 3; minus strand). Cytogenetic location: 11q12.3.
Variant type: single nucleotide variant.
Coding change: c.909G>T on transcript NM_012200.4 (MANE Select); coding-DNA position 909, G replaced by T.
Protein change: p.Arg303=; no amino-acid change (arginine 303 retained).
Molecular consequence: synonymous variant. On other transcripts: non-coding transcript variant (1).
Genome position (GRCh38, 1-based): chr11:62,616,506, C>A on the plus strand (G>T on the coding strand, the complement: B3GAT3 is on the minus strand). VCF-style: chr11-62616506-C-A. GRCh37 (hg19) VCF-style: chr11-62383978-C-A.
Other names: c.888G>T, p.Arg296= (NM_001288721.2); c.909G>T, p.Arg303= (NM_001288722.2, NM_001288723.2).
Identifiers: ClinVar variation 1381440 (VCV001381440.5), dbSNP rs1278193764, ClinGen allele CA475129276.

ClinVar aggregate classification (germline): Uncertain significance. Review status: criteria provided, multiple submitters, no conflicts (2 of 4 stars). 2 submissions from 2 submitters: Uncertain significance (2). Last evaluated 2021-06-13.

Conditions:
Larsen-like syndrome, B3GAT3 type. Also called: MULTIPLE JOINT DISLOCATIONS, SHORT STATURE, AND CRANIOFACIAL DYSMORPHISM WITH OR WITHOUT CONGENITAL HEART DEFECTS; Multiple joint dislocations, short stature, craniofacial dysmorphism, with or without congenital heart defects. Identifiers: Orphanet 284139, MedGen CN034159, MONDO:0009511, OMIM 245600.

Allele frequency attached by ClinVar (database versions not stated): gnomAD exomes below 0.00001 and 0.00002; TOPMed 0.00001; gnomAD 0.00002 and 0.00003.

Submissions (2):

Labcorp Genetics (formerly Invitae), Labcorp
Classification: Uncertain significance for Larsen-like syndrome, B3GAT3 type. Last evaluated: 2021-06-13. Review status: criteria provided, single submitter. Criteria: Invitae Variant Classification Sherloc (09022015). Collection method: clinical testing. Allele origin: germline.
Comment: This sequence change affects codon 303 of the B3GAT3 mRNA. It is a 'silent' change, meaning that it does not change the encoded amino acid sequence of the B3GAT3 protein. This variant also falls at the last nucleotide of exon 4, which is part of the consensus splice site for this exon. This variant is not present in population databases (ExAC no frequency). This variant has not been reported in the literature in individuals with B3GAT3-related conditions. Nucleotide substitutions within the consensus splice site are a relatively common cause of aberrant splicing (PMID: 17576681, 9536098). Algorithms developed to predict the effect of sequence changes on RNA splicing suggest that this variant may disrupt the consensus splice site, but this prediction has not been confirmed by published transcriptional studies. In summary, the available evidence is currently insufficient to determine the role of this variant in disease. Therefore, it has been classified as a Variant of Uncertain Significance.

Blueprint Genetics
Classification: Uncertain significance. Last evaluated: 2019-10-28. Review status: criteria provided, single submitter. Criteria: ACMG Guidelines, 2015. Collection method: clinical testing. Allele origin: germline.

Literature cited by the submitters: PubMed 17576681 (cited by Labcorp Genetics (formerly Invitae), Labcorp); PubMed 9536098 (cited by Labcorp Genetics (formerly Invitae), Labcorp).